The following is an entry in ClinVar:

NM_001081.4(CUBN):c.7916A>T (p.Asp2639Val)

Gene: CUBN (cubilin; minus strand). Cytogenetic location: 10p13.
Variant type: single nucleotide variant.
Coding change: c.7916A>T on transcript NM_001081.4 (MANE Select); coding-DNA position 7916, A replaced by T.
Protein change: p.Asp2639Val; replaces aspartic acid 2639 with valine.
Molecular consequence: missense variant.
Genome position (GRCh38, 1-based): chr10:16,904,112, T>A on the plus strand (A>T on the coding strand, the complement: CUBN is on the minus strand). VCF-style: chr10-16904112-T-A. GRCh37 (hg19) VCF-style: chr10-16946111-T-A.
Other names: short protein forms D2639V.
Identifiers: ClinVar variation 1490662 (VCV001490662.7), dbSNP rs2131430542, ClinGen allele CA376142799.

ClinVar aggregate classification (germline): Uncertain significance. Review status: criteria provided, multiple submitters, no conflicts (2 of 4 stars). 2 submissions from 2 submitters: Uncertain significance (2). Last evaluated 2022-04-04.

Conditions:
Proteinuria, chronic benign. Identifiers: MedGen C5394384, MONDO:0030042, OMIM 618884.
Imerslund-Grasbeck syndrome type 1 (IGS1). Also called: Imerslund-Gräsbeck syndrome 1; Megaloblastic anemia 1, Finnish type; MEGALOBLASTIC ANEMIA, 1. Identifiers: MedGen C4016819, MONDO:0100156, OMIM 261100.
Imerslund-Grasbeck syndrome. Also called: PERNICIOUS ANEMIA, JUVENILE, DUE TO SELECTIVE INTESTINAL MALABSORPTION OF VITAMIN B12, WITH PROTEINURIA; Megaloblastic anemia due to inborn errors of metabolism; ENTEROCYTE COBALAMIN MALABSORPTION; ENTEROCYTE INTRINSIC FACTOR RECEPTOR, DEFECT OF; Imerslund-Gräsbeck syndrome. Identifiers: Orphanet 35858, MedGen C4551825, MONDO:0009853.

Submissions (2):

Labcorp Genetics (formerly Invitae), Labcorp
Classification: Uncertain significance for Imerslund-Grasbeck syndrome. Last evaluated: 2022-04-04. Review status: criteria provided, single submitter. Criteria: Invitae Variant Classification Sherloc (09022015). Collection method: clinical testing. Allele origin: germline.
Comment: This sequence change replaces aspartic acid, which is acidic and polar, with valine, which is neutral and non-polar, at codon 2639 of the CUBN protein (p.Asp2639Val). This variant is not present in population databases (gnomAD no frequency). This variant has not been reported in the literature in individuals affected with CUBN-related conditions. Algorithms developed to predict the effect of missense changes on protein structure and function are either unavailable or do not agree on the potential impact of this missense change (SIFT: "Tolerated"; PolyPhen-2: "Probably Damaging"; Align-GVGD: "Class C0"). In summary, the available evidence is currently insufficient to determine the role of this variant in disease. Therefore, it has been classified as a Variant of Uncertain Significance.

Fulgent Genetics
Classification: Uncertain significance for Imerslund-Grasbeck syndrome type 1; Proteinuria, chronic benign. Last evaluated: 2022-02-08. Review status: criteria provided, single submitter. Criteria: ACMG Guidelines, 2015. Collection method: clinical testing. Allele origin: unknown.